The following is an entry in ClinVar:

NM_014491.4(FOXP2):c.531_560del (p.Gln182_Gln191del)

Gene: FOXP2 (forkhead box P2; plus strand). Cytogenetic location: 7q31.1.
Variant type: Deletion.
Coding change: c.531_560del on transcript NM_014491.4 (MANE Select); coding-DNA positions 531 to 560, 30 bases deleted (ACAACAGCAGCAGCAGCAGCAACAGCAGCA).
Protein change: p.Gln182_Gln191del.
Molecular consequence: inframe deletion. On other transcripts: non-coding transcript variant (2).
Genome position (GRCh38, 1-based): chr7:114,629,939-114,629,968, ACAACAGCAGCAGCAGCAGCAACAGCAGCA deleted; deleting any 30 consecutive bases within chr7:114,629,928-114,629,968 gives the same sequence; the c. name uses the placement nearest the transcript's 3' end. VCF-style (leftmost placement, unchanged base first): chr7-114629927-ACAACAGCAGCAACAACAGCAGCAGCAGCAG-A. GRCh37 (hg19) VCF-style: chr7-114269982-ACAACAGCAGCAACAACAGCAGCAGCAGCAG-A.
Other names: c.531_560del, p.Gln182_Gln191del (NM_001172766.3, NM_148899.3); c.606_635del, p.Gln207_Gln216del (NM_001172767.2, NM_148898.4); c.582_611del, p.Gln199_Gln208del (NM_148900.4).
Identifiers: ClinVar variation 4884145 (VCV004884145.2).

ClinVar aggregate classification (germline): Uncertain significance (1 of 4 stars; one submission).

Submission:

Dasa
Classification: Uncertain significance. Last evaluated: 2026-03-30. Review status: criteria provided, single submitter. Criteria: DASA Assertion Criteria. Collection method: clinical testing. Allele origin: germline.
Comment: NM_014491.4(FOXP2):c.531_560del (p.Gln182_Gln191del) is an in-frame deletion predicted to remove amino acids from glutamine at protein position 182 through glutamine at protein position 191 without shifting the reading frame. This variant is rare in population databases. The currently available literature and clinical evidence are not sufficient to establish a definitive association between this variant and the reported condition. Therefore, this variant is classified as a variant of uncertain significance.